The following is an entry in ClinVar:

NM_000083.3(CLCN1):c.1540G>A (p.Asp514Asn)

Gene: CLCN1 (chloride voltage-gated channel 1; plus strand). Cytogenetic location: 7q34.
Variant type: single nucleotide variant.
Coding change: c.1540G>A on transcript NM_000083.3 (MANE Select); coding-DNA position 1540, G replaced by A.
Protein change: p.Asp514Asn; replaces aspartic acid 514 with asparagine.
Molecular consequence: missense variant. On other transcripts: non-coding transcript variant (1).
Genome position (GRCh38, 1-based): chr7:143,339,579, G>A. VCF-style: chr7-143339579-G-A. GRCh37 (hg19) VCF-style: chr7-143036672-G-A.
Other names: short protein forms D514N.
Identifiers: ClinVar variation 860659 (VCV000860659.8), dbSNP rs756490905, ClinGen allele CA4537414.

ClinVar aggregate classification (germline): Uncertain significance. Review status: criteria provided, multiple submitters, no conflicts (2 of 4 stars). 2 submissions from 2 submitters: Uncertain significance (2). Last evaluated 2025-01-04.

Conditions:
Congenital myotonia, autosomal dominant form (THD). Also called: THOMSEN DISEASE; Myotonia congenita autosomal dominant. Identifiers: Orphanet 614, MedGen C2936781, MONDO:0008055, OMIM 160800.
Congenital myotonia, autosomal recessive form. Also called: Becker Generalized Myotonia; myotonia congenita, autosomal recessive; BECKER DISEASE. Identifiers: Orphanet 614, MedGen C0751360, MONDO:0009715, OMIM 255700.
Inborn genetic diseases. Identifiers: MedGen C0950123, MeSH D030342.

gnomAD v4.1: 15 of 1,613,582 alleles (0.00093%); highest among the groups gnomAD compares: South Asian, 0.016%; no homozygotes.

Submissions (2):

Ambry Genetics
Classification: Uncertain significance for Inborn genetic diseases. Last evaluated: 2025-01-04. Review status: criteria provided, single submitter. Criteria: Ambry Variant Classification Scheme 2023. Collection method: clinical testing. Allele origin: germline.

Labcorp Genetics (formerly Invitae), Labcorp
Classification: Uncertain significance for Congenital myotonia, autosomal recessive form; Congenital myotonia, autosomal dominant form. Last evaluated: 2025-01-02. Review status: criteria provided, single submitter. Criteria: Invitae Variant Classification Sherloc (09022015). Collection method: clinical testing. Allele origin: germline.
Comment: This sequence change replaces aspartic acid, which is acidic and polar, with asparagine, which is neutral and polar, at codon 514 of the CLCN1 protein (p.Asp514Asn). This variant is present in population databases (rs756490905, gnomAD 0.01%). This variant has not been reported in the literature in individuals affected with CLCN1-related conditions. ClinVar contains an entry for this variant (Variation ID: 860659). Invitae Evidence Modeling of protein sequence and biophysical properties (such as structural, functional, and spatial information, amino acid conservation, physicochemical variation, residue mobility, and thermodynamic stability) has been performed for this missense variant. However, the output from this modeling did not meet the statistical confidence thresholds required to predict the impact of this variant on CLCN1 protein function. In summary, the available evidence is currently insufficient to determine the role of this variant in disease. Therefore, it has been classified as a Variant of Uncertain Significance.